The following is an entry in ClinVar:

ClinVar aggregate classification (germline): Likely benign (0 of 4 stars; one submission).

Conditions:
PCDHA3-related disorder. Also called: PCDHA3-related condition.

Allele frequency attached by ClinVar (database versions not stated): TOPMed 0.00005; gnomAD exomes below 0.00001; gnomAD 0.00003.
gnomAD v4.1: 10 of 1,614,030 alleles (0.00062%); highest among the groups gnomAD compares: African/African-American, 0.011%; no homozygotes.

Submission:

PreventionGenetics, part of Exact Sciences
Classification: Likely benign for PCDHA3-related condition. Last evaluated: 2019-06-12. Review status: no assertion criteria provided. Collection method: clinical testing. Allele origin: germline.
Comment: This variant is classified as likely benign based on ACMG/AMP sequence variant interpretation guidelines (Richards et al. 2015 PMID: 25741868, with internal and published modifications).

NM_018906.3(PCDHA3):c.2151A>G (p.Leu717=)

Genes: PCDHA1 (protocadherin alpha 1; plus strand), PCDHA3 (protocadherin alpha 3; plus strand), PCDHA@ (protocadherin alpha cluster, complex locus; plus strand), PCDHA2 (protocadherin alpha 2; plus strand). Cytogenetic location: 5q31.3.
Variant type: single nucleotide variant.
Coding change: c.2151A>G on transcript NM_018906.3 (MANE Select); coding-DNA position 2151, A replaced by G.
Protein change: p.Leu717=; no amino-acid change (leucine 717 retained).
Molecular consequence: synonymous variant. On other transcripts: intron variant (4).
Genome position (GRCh38, 1-based): chr5:140,803,348, A>G. VCF-style: chr5-140803348-A-G. GRCh37 (hg19) VCF-style: chr5-140182933-A-G.
Other names: c.2151A>G, p.Leu717= (NM_031497.2); c.2394+14664A>G (NM_018900.4); c.1602+15456A>G (NM_031411.3); c.2388+5996A>G (NM_018905.3); c.2389-1712A>G (NM_031496.2).
Identifiers: ClinVar variation 3034261 (VCV003034261.2), dbSNP rs1198183048, ClinGen allele CA446811208.